The following is an entry in ClinVar:

NM_017514.5(PLXNA3):c.1847G>A (p.Arg616Gln)

Gene: PLXNA3 (plexin A3; plus strand). Cytogenetic location: Xq28.
Variant type: single nucleotide variant.
Coding change: c.1847G>A on transcript NM_017514.5 (MANE Select); coding-DNA position 1847, G replaced by A.
Protein change: p.Arg616Gln; replaces arginine 616 with glutamine.
Molecular consequence: missense variant.
Genome position (GRCh38, 1-based): chrX:154,464,420, G>A. VCF-style: chrX-154464420-G-A. GRCh37 (hg19) VCF-style: chrX-153692763-G-A.
Other names: c.1847G>A (NM_017514.4); short protein forms R616Q.
Identifiers: ClinVar variation 208405 (VCV000208405.5), dbSNP rs200042650, ClinGen allele CA210448.

ClinVar aggregate classification (germline): Benign. Review status: criteria provided, single submitter (1 of 4 stars). 2 submissions from 2 submitters: Benign (1). 1 of the submissions does not count toward it. Last evaluated 2014-01-01.

Conditions:
PLXNA3-related disorder. Also called: PLXNA3-related condition.
Childhood-onset schizophrenia. Also called: Childhood schizophrenia. Identifiers: Orphanet 641496, MedGen C0036346, MONDO:0957430.

Allele frequency attached by ClinVar (database versions not stated): ExAC 0.00005; gnomAD 0.00007 and 0.00008; gnomAD exomes 0.00007 and 0.00008; TOPMed 0.00012; 1000 Genomes Project 30x 0.00021; 1000 Genomes Project 0.00026.

Submissions (2):

Dr. Guy Rouleau's laboratory, McGill University
Classification: Benign for Childhood Onset Schizophrenia. Last evaluated: 2014-01-01. Review status: criteria provided, single submitter. Criteria: Submitter's publication. Collection method: research. Allele origin: de novo. Affected: yes. Observed: 1 variant allele.
Comment: Identified by next generation sequencing

PreventionGenetics, part of Exact Sciences
Classification: Likely benign for PLXNA3-related condition. Last evaluated: 2022-06-11. Review status: no assertion criteria provided. Collection method: clinical testing. Allele origin: germline. Not counted in ClinVar's aggregate classification.
Comment: This variant is classified as likely benign based on ACMG/AMP sequence variant interpretation guidelines (Richards et al. 2015 PMID: 25741868, with internal and published modifications).